The following is an entry in ClinVar:

ClinVar aggregate classification (germline): Uncertain significance (1 of 4 stars; one submission).

Conditions:
Hereditary cancer-predisposing syndrome. Also called: Neoplastic Syndromes, Hereditary; Tumor predisposition; Hereditary neoplastic syndrome; Hereditary Cancer Syndrome. Identifiers: Orphanet 140162, MedGen C0027672, MeSH D009386, MONDO:0015356.

Submission:

Ambry Genetics
Classification: Uncertain significance for Hereditary cancer-predisposing syndrome. Last evaluated: 2024-03-22. Review status: criteria provided, single submitter. Criteria: Ambry Variant Classification Scheme 2023. Collection method: clinical testing. Allele origin: germline.
Comment: The p.S8R variant (also known as c.22A>C), located in coding exon 1 of the SDHD gene, results from an A to C substitution at nucleotide position 22. The serine at codon 8 is replaced by arginine, an amino acid with dissimilar properties. This amino acid position is not well conserved in available vertebrate species. In addition, the in silico prediction for this alteration is inconclusive. Based on the available evidence, the clinical significance of this alteration remains unclear.

NM_003002.4(SDHD):c.22A>C (p.Ser8Arg)

Genes: SDHD (succinate dehydrogenase complex subunit D; plus strand), LOC126861339 (BRD4-independent group 4 enhancer GRCh37_chr11:111957035-111958234; plus strand). Cytogenetic location: 11q23.1.
Variant type: single nucleotide variant.
Coding change: c.22A>C on transcript NM_003002.4 (MANE Select); coding-DNA position 22, A replaced by C.
Protein change: p.Ser8Arg; replaces serine 8 with arginine.
Molecular consequence: missense variant. On other transcripts: non-coding transcript variant (1).
Genome position (GRCh38, 1-based): chr11:112,086,929, A>C. VCF-style: chr11-112086929-A-C. GRCh37 (hg19) VCF-style: chr11-111957653-A-C.
Other names: c.22A>C, p.Ser8Arg (NM_001276503.2, NM_001276504.2, NM_001276506.2); short protein forms S8R.
Identifiers: ClinVar variation 3316911 (VCV003316911.1).